The following is an entry in ClinVar:

NM_033380.3(COL4A5):c.2041+65A>G

Gene: COL4A5 (collagen type IV alpha 5 chain; plus strand). Cytogenetic location: Xq22.3.
Variant type: single nucleotide variant.
Coding change: c.2041+65A>G on transcript NM_033380.3 (MANE Select); 65 bases into the intron after coding-DNA position 2041, A replaced by G.
Molecular consequence: intron variant.
Genome position (GRCh38, 1-based): chrX:108,601,550, A>G. VCF-style: chrX-108601550-A-G. GRCh37 (hg19) VCF-style: chrX-107844780-A-G.
Other names: c.2041+65A>G (NM_000495.5).
Identifiers: ClinVar variation 1278202 (VCV001278202.4), dbSNP rs28497884, ClinGen allele CA334039867.

ClinVar aggregate classification (germline): Benign. Review status: criteria provided, multiple submitters, no conflicts (2 of 4 stars). 3 submissions from 3 submitters: Benign (3). Last evaluated 2024-07-15.

Allele frequency attached by ClinVar (database versions not stated): gnomAD 0.23888 and 0.24698; TOPMed 0.27450; 1000 Genomes Project 0.37563.
gnomAD v4.1: 182,362 of 716,147 alleles (25%); highest among the groups gnomAD compares: East Asian, 64%; 20,400 homozygotes.

Submissions (3):

Unidad de Genómica Garrahan, Hospital de Pediatría Garrahan
Classification: Benign. Last evaluated: 2024-07-15. Review status: criteria provided, single submitter. Criteria: ACMG Guidelines, 2015. Collection method: clinical testing. Allele origin: germline. Affected: no. Observed: 34 variant alleles.
Comment: This variant is classified as Benign based on local population frequency. This variant was detected in 37% of patients studied in a panel designed for Epileptic and Developmental Encephalopathy and Progressive Myoclonus Epilepsy. Number of patients: 34. Only high quality variants are reported.

GeneDx
Classification: Benign. Last evaluated: 2018-07-09. Review status: criteria provided, single submitter. Criteria: GeneDx Variant Classification Process June 2021. Collection method: clinical testing. Allele origin: germline. Affected: yes.

Breakthrough Genomics
Classification: Benign. Review status: criteria provided, single submitter. Criteria: ACMG Guidelines, 2015. Collection method: not provided. Allele origin: germline. Inheritance: X-linked inheritance. Affected: yes.